The following is an entry in ClinVar:

NM_001868.4(CPA1):c.232T>G (p.Phe78Val)

Gene: CPA1 (carboxypeptidase A1; plus strand). Cytogenetic location: 7q32.2.
Variant type: single nucleotide variant.
Coding change: c.232T>G on transcript NM_001868.4 (MANE Select); coding-DNA position 232, T replaced by G.
Protein change: p.Phe78Val; replaces phenylalanine 78 with valine.
Molecular consequence: missense variant.
Genome position (GRCh38, 1-based): chr7:130,381,714, T>G. VCF-style: chr7-130381714-T-G. GRCh37 (hg19) VCF-style: chr7-130021555-T-G.
Other names: short protein forms F78V.
Identifiers: ClinVar variation 4006052 (VCV004006052.1).

ClinVar aggregate classification (germline): Uncertain significance (1 of 4 stars; one submission).

Conditions:
Hereditary pancreatitis (PCTT). Also called: Hereditary chronic pancreatitis; PRSS1-Related Hereditary Pancreatitis. Identifiers: Orphanet 676, MedGen C0238339, MONDO:0008185, OMIM 167800.

Submission:

Ambry Genetics
Classification: Uncertain significance for Hereditary pancreatitis. Last evaluated: 2025-04-20. Review status: criteria provided, single submitter. Criteria: Ambry Variant Classification Scheme 2023. Collection method: clinical testing. Allele origin: germline.
Comment: The p.F78V variant (also known as c.232T>G), located in coding exon 3 of the CPA1 gene, results from a T to G substitution at nucleotide position 232. The phenylalanine at codon 78 is replaced by valine, an amino acid with highly similar properties. This amino acid position is conserved. In addition, this alteration is predicted to be tolerated by in silico analysis. Based on the available evidence, the clinical significance of this variant remains unclear.